The following is an entry in ClinVar:

NM_001875.5(CPS1):c.2403dup (p.Gly802fs)

Gene: CPS1 (carbamoyl-phosphate synthase 1; plus strand). Cytogenetic location: 2q34.
Variant type: Duplication.
Coding change: c.2403dup on transcript NM_001875.5 (MANE Select); coding-DNA position 2403, one base duplicated (T; older notation c.2403dupT).
Protein change: p.Gly802fs; shifts the reading frame from glycine 802.
Molecular consequence: frameshift variant. On other transcripts: non-coding transcript variant (2).
Genome position (GRCh38, 1-based): chr2:210,612,128, T duplicated; the last of 2 consecutive T bases (chr2:210,612,127-210,612,128); duplicating either gives the same sequence. VCF-style (leftmost placement, unchanged base first): chr2-210612126-A-AT. GRCh37 (hg19) VCF-style: chr2-211476850-A-AT.
Other names: c.2403dupT (NM_001875.4); c.2403dup, p.Gly802fs (NM_001122633.3, NM_001369257.1); c.2436dup, p.Gly813fs (NM_001369256.1); short protein forms G813fs, G802fs.
Identifiers: ClinVar variation 1360857 (VCV001360857.7), dbSNP rs2105858978, ClinGen allele CA2573135286.

ClinVar aggregate classification (germline): Pathogenic/Likely pathogenic. Review status: criteria provided, multiple submitters, no conflicts (2 of 4 stars). 2 submissions from 2 submitters: Pathogenic (1); Likely pathogenic (1). Last evaluated 2024-03-04.

Conditions:
Congenital hyperammonemia, type I. Also called: CPS I DEFICIENCY; Carbamoyl-phosphate synthase I deficiency; Carbamoyl phosphate synthetase 1 deficiency; Hyperammonemia due to carbamoyl phosphate synthetase 1 deficiency; CPS 1 deficiency; Carbamyl phosphate synthetase (CPS) deficiency. Identifiers: Orphanet 147, MedGen C4082171, MONDO:0009376, OMIM 237300.

Submissions (2):

Natera, Inc.
Classification: Likely pathogenic for Carbamoyl-phosphate synthase I deficiency. Last evaluated: 2024-03-04. Review status: criteria provided, single submitter. Criteria: Natera Variant Classification Schema (03/2026). Collection method: clinical testing. Allele origin: germline.
Comment: The c.2403dupT variant in CPS1 is a frameshift variant predicted to shift the reading frame beginning at codon 802 and leads to a stop codon 5 codons downstream. This variant is expected to result in nonsense mediated decay, truncation, or a dysfunctional protein product. This variant is rare in the general population with a frequency below the threshold expected for the associated phenotype(s). Given the available evidence, this variant is classified as Likely Pathogenic.

Labcorp Genetics (formerly Invitae), Labcorp
Classification: Pathogenic for Congenital hyperammonemia, type I. Last evaluated: 2021-01-07. Review status: criteria provided, single submitter. Criteria: Invitae Variant Classification Sherloc (09022015). Collection method: clinical testing. Allele origin: germline.
Comment: For these reasons, this variant has been classified as Pathogenic. This variant has not been reported in the literature in individuals with CPS1-related conditions. This variant is not present in population databases (ExAC no frequency). This sequence change creates a premature translational stop signal (p.Gly802Trpfs*5) in the CPS1 gene. It is expected to result in an absent or disrupted protein product. Loss-of-function variants in CPS1 are known to be pathogenic (PMID: 21120950).

Literature cited by the submitters: PubMed 21120950 (cited by Labcorp Genetics (formerly Invitae), Labcorp).